The following is an entry in ClinVar:

NC_000016.10:g.68722497C>G

Genes: CDH1 (cadherin 1; plus strand), CDH3 (cadherin 3; plus strand). Cytogenetic location: 16q22.1.
Variant type: single nucleotide variant.
Genome position: GRCh38 VCF-style: chr16-68722497-C-G. GRCh37 (hg19) VCF-style: chr16-68756400-C-G.
Identifiers: ClinVar variation 2646664 (VCV002646664.24), dbSNP rs111613050, ClinGen allele CA8129766.
Genomic context (GRCh38, chr16:68,722,497, plus strand): 5'-TGCAGGTCTCCACCCTGGCAGGAAGCTCTTGCCACCGGCTACAGTCTGGATCCAGCCTGG[C>G]CAGTTCCACCTTTCCCACCTACAACACCTGGCAAGACCAAGACACAGCCCTTCCACAAAT-3'

ClinVar aggregate classification (germline): Benign (1 of 4 stars; one submission).

Allele frequency attached by ClinVar (database versions not stated): 1000 Genomes Project 0.00240; 1000 Genomes Project 30x 0.00265; gnomAD exomes 0.00794; TOPMed 0.00433; gnomAD 0.00475.
gnomAD v4.1: 722 of 152,416 alleles (0.47%); highest among the groups gnomAD compares: Non-Finnish European, 0.78%; 4 homozygotes.

Submission:

CeGaT Center for Human Genetics Tuebingen
Classification: Benign. Last evaluated: 2022-07-01. Review status: criteria provided, single submitter. Criteria: CeGaT Center For Human Genetics Tuebingen Variant Classification Criteria Version 2. Collection method: clinical testing. Allele origin: germline. Affected: yes. Observed: 1 variant allele.
Comment: CDH1: BS1, BS2